The following is an entry in ClinVar:

ClinVar aggregate classification (germline): Uncertain significance (1 of 4 stars; one submission).

Conditions:
Catecholaminergic polymorphic ventricular tachycardia (CVPT). Also called: Catecholamine-induced polymorphic ventricular tachycardia. Identifiers: Orphanet 3286, MedGen C5574922, MONDO:0017990.

Submission:

All of Us Research Program, National Institutes of Health
Classification: Uncertain significance for Catecholaminergic polymorphic ventricular tachycardia. Last evaluated: 2024-08-06. Review status: criteria provided, single submitter. Criteria: ACMG Guidelines, 2015. Collection method: clinical testing. Allele origin: germline. Inheritance: Autosomal dominant inheritance. Observed: 1 variant allele, 1 heterozygote.
Comment: This study involves interpretation of variants in research participants for the purpose of population health screening. Participant phenotype was not available at the time of variant classification. Additional details can be found in publication PMID: 35346344, PMCID: PMC8962531

NM_001035.3(RYR2):c.1060A>C (p.Ile354Leu)

Gene: RYR2 (ryanodine receptor 2; plus strand). Cytogenetic location: 1q43.
Variant type: single nucleotide variant.
Coding change: c.1060A>C on transcript NM_001035.3 (MANE Select); coding-DNA position 1060, A replaced by C.
Protein change: p.Ile354Leu; replaces isoleucine 354 with leucine.
Molecular consequence: missense variant.
Genome position (GRCh38, 1-based): chr1:237,441,373, A>C. VCF-style: chr1-237441373-A-C. GRCh37 (hg19) VCF-style: chr1-237604673-A-C.
Other names: short protein forms I354L.
Identifiers: ClinVar variation 3385663 (VCV003385663.1).